The following is an entry in ClinVar:

NM_003737.4(DCHS1):c.6189G>C (p.Glu2063Asp)

Gene: DCHS1 (dachsous cadherin-related 1; minus strand). Cytogenetic location: 11p15.4.
Variant type: single nucleotide variant.
Coding change: c.6189G>C on transcript NM_003737.4 (MANE Select); coding-DNA position 6189, G replaced by C.
Protein change: p.Glu2063Asp; replaces glutamic acid 2063 with aspartic acid.
Molecular consequence: missense variant.
Genome position (GRCh38, 1-based): chr11:6,626,850, C>G on the plus strand (G>C on the coding strand, the complement: DCHS1 is on the minus strand). VCF-style: chr11-6626850-C-G. GRCh37 (hg19) VCF-style: chr11-6648081-C-G.
Other names: c.6189G>C (NM_003737.2); short protein forms E2063D.
Identifiers: ClinVar variation 2069398 (VCV002069398.7), dbSNP rs199748499, ClinGen allele CA5859946.
Genomic context (GRCh38, chr11:6,626,850, plus strand): 5'-TGGGGGCGCATTCTCACGAATCGTAGCCTCACTGCTAGCCCGGGGAAAGCGGGGTCCACG[C>G]TCAGCTTCCCCCTGCAGTCCAACAATGATCACACCAGTGGCAGAGCGAGCTGGACGGCCA-3'
Protein context (NP_003728.1, residues 2053-2073): VIIVGLQGEA[Glu2063Asp]RGPRFPRASS

ClinVar aggregate classification (germline): Conflicting classifications of pathogenicity. Review status: criteria provided, conflicting classifications (1 of 4 stars). 4 submissions from 4 submitters: Uncertain significance (3); Likely benign (1). Last evaluated 2025-11-05.

Conditions:
Inborn genetic diseases. Identifiers: MedGen C0950123, MeSH D030342.
Van Maldergem syndrome 1 (VMLDS1). Also called: Van Maldergem syndrome 1 (VMLDS1). Identifiers: Orphanet 314679, MedGen C4551950, MONDO:0011070, OMIM 601390.

Allele frequency attached by ClinVar (database versions not stated): ESP Exome Variant Server 0.00015; TOPMed 0.00017.
gnomAD v4.1: 34 of 1,613,348 alleles (0.0021%); highest among the groups gnomAD compares: African/African-American, 0.031%; no homozygotes.

Submissions (4):

Labcorp Genetics (formerly Invitae), Labcorp
Classification: Uncertain significance. Last evaluated: 2025-11-05. Review status: criteria provided, single submitter. Criteria: Invitae Variant Classification Sherloc (09022015). Collection method: clinical testing. Allele origin: germline.
Comment: This sequence change replaces glutamic acid, which is acidic and polar, with aspartic acid, which is acidic and polar, at codon 2063 of the DCHS1 protein (p.Glu2063Asp). This variant is present in population databases (rs199748499, gnomAD 0.04%). This variant has not been reported in the literature in individuals affected with DCHS1-related conditions. ClinVar contains an entry for this variant (Variation ID: 2069398). Invitae Evidence Modeling of protein sequence and biophysical properties (such as structural, functional, and spatial information, amino acid conservation, physicochemical variation, residue mobility, and thermodynamic stability) indicates that this missense variant is not expected to disrupt DCHS1 protein function with a negative predictive value of 95%. In summary, the available evidence is currently insufficient to determine the role of this variant in disease. Therefore, it has been classified as a Variant of Uncertain Significance.

Women's Health and Genetics/Laboratory Corporation of America, LabCorp
Classification: Uncertain significance. Last evaluated: 2025-07-16. Review status: criteria provided, single submitter. Criteria: LabCorp Variant Classification Summary - May 2015. Collection method: clinical testing. Allele origin: germline.
Comment: Variant summary: DCHS1 c.6189G>C (p.Glu2063Asp) results in a conservative amino acid change in the encoded protein sequence. Algorithms developed to predict the effect of missense changes on protein structure and function all suggest that this variant is likely to be tolerated. The variant allele was found at a frequency of 2.4e-05 in 250314 control chromosomes. The available data on variant occurrences in the general population are insufficient to allow any conclusion about variant significance. To our knowledge, no occurrence of c.6189G>C in individuals affected with DCHS1-Related Disorders and no experimental evidence demonstrating its impact on protein function have been reported. ClinVar contains an entry for this variant (Variation ID: 2069398). Based on the evidence outlined above, the variant was classified as uncertain significance.

Ambry Genetics
Classification: Uncertain significance for Inborn genetic diseases. Last evaluated: 2025-06-17. Review status: criteria provided, single submitter. Criteria: Ambry Variant Classification Scheme 2023. Collection method: clinical testing. Allele origin: germline.

3billion
Classification: Likely benign for Van Maldergem syndrome 1. Last evaluated: 2024-09-20. Review status: criteria provided, single submitter. Criteria: ACMG Guidelines, 2015. Collection method: clinical testing. Allele origin: germline. Affected: no.
Comment: The homozygous variant was found in patients diagnosed with another variant in a different gene, with no symptoms related to the gene containing the homozygous variant.